The following is an entry in ClinVar:

NM_001375524.1(TRRAP):c.6269C>T (p.Ser2090Phe)

Gene: TRRAP (transformation/transcription domain associated protein; plus strand). Cytogenetic location: 7q22.1.
Variant type: single nucleotide variant.
Coding change: c.6269C>T on transcript NM_001375524.1 (MANE Select); coding-DNA position 6269, C replaced by T.
Protein change: p.Ser2090Phe; replaces serine 2090 with phenylalanine.
Molecular consequence: missense variant.
Genome position (GRCh38, 1-based): chr7:98,958,018, C>T. VCF-style: chr7-98958018-C-T. GRCh37 (hg19) VCF-style: chr7-98555641-C-T.
Other names: c.6248C>T, p.Ser2083Phe (NM_001244580.2); c.6194C>T, p.Ser2065Phe (NM_003496.4); short protein forms S2083F, S2065F, S2090F.
Identifiers: ClinVar variation 2585288 (VCV002585288.1), dbSNP rs1584360078, ClinGen allele CA368328497.

ClinVar aggregate classification (germline): Uncertain significance (1 of 4 stars; one submission).

Conditions:
Developmental delay with or without dysmorphic facies and autism. Identifiers: MedGen C5193106, MONDO:0032760, OMIM 618454.

gnomAD v4.1: 2 of 1,614,186 alleles (0.00012%); highest among the groups gnomAD compares: East Asian, 0.0022%; no homozygotes.

Submission:

Neuberg Centre For Genomic Medicine, NCGM
Classification: Uncertain significance for Developmental delay with or without dysmorphic facies and autism. Review status: criteria provided, single submitter. Criteria: ACMG Guidelines, 2015. Collection method: clinical testing. Allele origin: germline. Inheritance: Autosomal dominant inheritance. Affected: yes.
Comment: The missense variant in c.6248C>T (p.Ser2083Phe) in TRRAP gene has not been reported previously as a pathogenic variant nor as a benign variant, to our knowledge. The p.Ser2083Phe variant is novel (not in any individuals) in gnomAD Exomes and 1000 Genomes. The amino acid Ser at position 2083 is changed to a Phe changing protein sequence and it might alter its composition and physico-chemical properties. The variant is predicted to be damaging by both SIFT and PolyPhen2. The residue is conserved across species. The amino acid change p.Ser2083Phe in TRRAP is predicted as conserved by GERP++ and PhyloP across 100 vertebrates. For these reasons, this variant has been classified as Uncertain Significance.